The following is an entry in ClinVar:

ClinVar aggregate classification (germline): Uncertain significance (1 of 4 stars; one submission).

gnomAD v4.1: 1 of 1,614,188 alleles (0.000062%); highest among the groups gnomAD compares: Non-Finnish European, 0.000085%; no homozygotes.

Submission:

Labcorp Genetics (formerly Invitae), Labcorp
Classification: Uncertain significance. Last evaluated: 2025-08-29. Review status: criteria provided, single submitter. Criteria: Invitae Variant Classification Sherloc (09022015). Collection method: clinical testing. Allele origin: germline.
Comment: This sequence change replaces lysine, which is basic and polar, with glutamic acid, which is acidic and polar, at codon 1289 of the TCF20 protein (p.Lys1289Glu). This variant is present in population databases (no rsID available, gnomAD 0.0009%). This variant has not been reported in the literature in individuals affected with TCF20-related conditions. An algorithm developed to predict the effect of missense changes on protein structure and function (PolyPhen-2) suggests that this variant is likely to be tolerated. In summary, the available evidence is currently insufficient to determine the role of this variant in disease. Therefore, it has been classified as a Variant of Uncertain Significance.

NM_001378418.1(TCF20):c.3865A>G (p.Lys1289Glu)

Gene: TCF20 (transcription factor 20; minus strand). Cytogenetic location: 22q13.2.
Variant type: single nucleotide variant.
Coding change: c.3865A>G on transcript NM_001378418.1 (MANE Select); coding-DNA position 3865, A replaced by G.
Protein change: p.Lys1289Glu; replaces lysine 1289 with glutamic acid.
Molecular consequence: missense variant.
Genome position (GRCh38, 1-based): chr22:42,211,441, T>C on the plus strand (A>G on the coding strand, the complement: TCF20 is on the minus strand). VCF-style: chr22-42211441-T-C. GRCh37 (hg19) VCF-style: chr22-42607447-T-C.
Other names: c.3865A>G, p.Lys1289Glu (NM_005650.4, NM_181492.3); short protein forms K1289E.
Identifiers: ClinVar variation 4804102 (VCV004804102.1).
Genomic context (GRCh38, chr22:42,211,441, plus strand): 5'-TGATATCCTGACTGTGAGAAAGATGGGCATAGGAATTGAATGCTTTATCAGCGCCTTCTT[T>C]TGATGAGTGAAGGAGGCGACCTTTATCTTCAGTGCTACTGTTCTTTACATCTTGTGACTG-3'
Protein context (NP_001365347.1, residues 1279-1299): EDKGRLLHSS[Lys1289Glu]EGADKAFNSY